The following is an entry in ClinVar:

ClinVar aggregate classification (germline): Uncertain significance. Review status: criteria provided, multiple submitters, no conflicts (2 of 4 stars). 2 submissions from 2 submitters: Uncertain significance (2). Last evaluated 2025-04-06.

Conditions:
Hereditary cancer-predisposing syndrome. Also called: Hereditary neoplastic syndrome; Tumor predisposition; Neoplastic Syndromes, Hereditary; Hereditary Cancer Syndrome. Identifiers: Orphanet 140162, MedGen C0027672, MeSH D009386, MONDO:0015356.
Familial cancer of breast. Also called: hereditary breast carcinoma; Hereditary breast cancer; BREAST CANCER, FAMILIAL. Identifiers: Orphanet 227535, MedGen C0346153, MONDO:0016419, OMIM 114480. Disease mechanism: loss of function.

Submissions (2):

Ambry Genetics
Classification: Uncertain significance for Hereditary cancer-predisposing syndrome. Last evaluated: 2025-04-06. Review status: criteria provided, single submitter. Criteria: Ambry Variant Classification Scheme 2023. Collection method: clinical testing. Allele origin: germline.
Comment: The p.L671F variant (also known as c.2013A>C), located in coding exon 5 of the PALB2 gene, results from an A to C substitution at nucleotide position 2013. The leucine at codon 671 is replaced by phenylalanine, an amino acid with highly similar properties. This amino acid position is conserved. In addition, this alteration is predicted to be tolerated by in silico analysis. Based on the available evidence, the clinical significance of this variant remains unclear.

Labcorp Genetics (formerly Invitae), Labcorp
Classification: Uncertain significance for Familial cancer of breast. Last evaluated: 2021-11-01. Review status: criteria provided, single submitter. Criteria: Invitae Variant Classification Sherloc (09022015). Collection method: clinical testing. Allele origin: germline.
Comment: In summary, the available evidence is currently insufficient to determine the role of this variant in disease. Therefore, it has been classified as a Variant of Uncertain Significance. Algorithms developed to predict the effect of missense changes on protein structure and function (SIFT, PolyPhen-2, Align-GVGD) all suggest that this variant is likely to be tolerated. This variant has not been reported in the literature in individuals affected with PALB2-related conditions. This variant is not present in population databases (gnomAD no frequency). This sequence change replaces leucine, which is neutral and non-polar, with phenylalanine, which is neutral and non-polar, at codon 671 of the PALB2 protein (p.Leu671Phe).

NM_024675.4(PALB2):c.2013A>C (p.Leu671Phe)

Gene: PALB2 (partner and localizer of BRCA2; minus strand). Cytogenetic location: 16p12.2.
Variant type: single nucleotide variant.
Coding change: c.2013A>C on transcript NM_024675.4 (MANE Select); coding-DNA position 2013, A replaced by C.
Protein change: p.Leu671Phe; replaces leucine 671 with phenylalanine.
Molecular consequence: missense variant.
Genome position (GRCh38, 1-based): chr16:23,630,141, T>G on the plus strand (A>C on the coding strand, the complement: PALB2 is on the minus strand). VCF-style: chr16-23630141-T-G. GRCh37 (hg19) VCF-style: chr16-23641462-T-G.
Other names: c.2013A>C (NM_024675.3); short protein forms L671F.
Identifiers: ClinVar variation 1348697 (VCV001348697.8), dbSNP rs2142383518, ClinGen allele CA395127070.